The following is an entry in ClinVar:

NM_001080442.3(SLC38A8):c.1181C>T (p.Ala394Val)

Gene: SLC38A8 (solute carrier family 38 member 8; minus strand). Cytogenetic location: 16q23.3.
Variant type: single nucleotide variant.
Coding change: c.1181C>T on transcript NM_001080442.3 (MANE Select); coding-DNA position 1181, C replaced by T.
Protein change: p.Ala394Val; replaces alanine 394 with valine.
Molecular consequence: missense variant.
Genome position (GRCh38, 1-based): chr16:84,013,034, G>A on the plus strand (C>T on the coding strand, the complement: SLC38A8 is on the minus strand). VCF-style: chr16-84013034-G-A. GRCh37 (hg19) VCF-style: chr16-84046639-G-A.
Other names: short protein forms A394V.
Identifiers: ClinVar variation 1401708 (VCV001401708.8), dbSNP rs746158836, ClinGen allele CA8199712.

ClinVar aggregate classification (germline): Uncertain significance (1 of 4 stars; one submission).

Allele frequency attached by ClinVar (database versions not stated): ExAC 0.00001; gnomAD exomes 0.00001 and 0.00002; TOPMed 0.00001.
gnomAD v4.1: 9 of 1,614,184 alleles (0.00056%); highest among the groups gnomAD compares: South Asian, 0.0022%; no homozygotes.

Submission:

Labcorp Genetics (formerly Invitae), Labcorp
Classification: Uncertain significance. Last evaluated: 2021-06-18. Review status: criteria provided, single submitter. Criteria: Invitae Variant Classification Sherloc (09022015). Collection method: clinical testing. Allele origin: germline.
Comment: In summary, the available evidence is currently insufficient to determine the role of this variant in disease. Therefore, it has been classified as a Variant of Uncertain Significance. Algorithms developed to predict the effect of missense changes on protein structure and function (SIFT, PolyPhen-2, Align-GVGD) all suggest that this variant is likely to be tolerated, but these predictions have not been confirmed by published functional studies and their clinical significance is uncertain. This variant has not been reported in the literature in individuals with SLC38A8-related conditions. This variant is present in population databases (rs746158836, ExAC 0.001%). This sequence change replaces alanine with valine at codon 394 of the SLC38A8 protein (p.Ala394Val). The alanine residue is moderately conserved and there is a small physicochemical difference between alanine and valine.